The following is an entry in ClinVar:

ClinVar aggregate classification (germline): Uncertain significance (1 of 4 stars; one submission).

gnomAD v4.1: 1 of 1,614,222 alleles (0.000062%); highest among the groups gnomAD compares: East Asian, 0.0022%; no homozygotes.

Submission:

GeneDx
Classification: Uncertain significance. Last evaluated: 2025-07-31. Review status: criteria provided, single submitter. Criteria: GeneDx Variant Classification Process June 2021. Collection method: clinical testing. Allele origin: germline. Affected: yes.
Comment: Not observed at significant frequency in large population cohorts (gnomAD); In silico analysis suggests that this missense variant does not alter protein structure/function; Has not been previously published as pathogenic or benign to our knowledge

NM_001020658.2(PUM1):c.2407A>G (p.Ser803Gly)

Gene: PUM1 (pumilio RNA binding family member 1; minus strand). Cytogenetic location: 1p35.2.
Variant type: single nucleotide variant.
Coding change: c.2407A>G on transcript NM_001020658.2 (MANE Select); coding-DNA position 2407, A replaced by G.
Protein change: p.Ser803Gly; replaces serine 803 with glycine.
Molecular consequence: missense variant.
Genome position (GRCh38, 1-based): chr1:30,953,898, T>C on the plus strand (A>G on the coding strand, the complement: PUM1 is on the minus strand). VCF-style: chr1-30953898-T-C. GRCh37 (hg19) VCF-style: chr1-31426745-T-C.
Other names: c.2407A>G, p.Ser803Gly (NM_014676.3); short protein forms S803G.
Identifiers: ClinVar variation 4689998 (VCV004689998.1).